The following is an entry in ClinVar:

NM_003647.3(DGKE):c.183G>A (p.Gly61=)

Gene: DGKE (diacylglycerol kinase epsilon; plus strand). Cytogenetic location: 17q22.
Variant type: single nucleotide variant.
Coding change: c.183G>A on transcript NM_003647.3 (MANE Select); coding-DNA position 183, G replaced by A.
Protein change: p.Gly61=; no amino-acid change (glycine 61 retained).
Molecular consequence: synonymous variant.
Genome position (GRCh38, 1-based): chr17:56,834,978, G>A. VCF-style: chr17-56834978-G-A. GRCh37 (hg19) VCF-style: chr17-54912339-G-A.
Other names: p.Gly61=.
Identifiers: ClinVar variation 1235190 (VCV001235190.15), dbSNP rs1048159, ClinGen allele CA8663444.
Genomic context (GRCh38, chr17:56,834,978, plus strand): 5'-CCTCCAGCGGTCGCGCCGGCAGCTGCACCGCAGGGACATCTTCCGCAAGAGCAAGCACGG[G>A]TGGCGCGACACGGACCTGTTCAGCCAGCCCACCTACTGCTGCGTGTGCGCGCAGCACATT-3'
Protein context (NP_003638.1, residues 51-71): RRDIFRKSKH[Gly61=]WRDTDLFSQP

ClinVar aggregate classification (germline): Benign. Review status: criteria provided, multiple submitters, no conflicts (2 of 4 stars). 6 submissions from 6 submitters: Benign (6). Last evaluated 2026-02-04.

Conditions:
Immunoglobulin-mediated membranoproliferative glomerulonephritis. Also called: NEPHROTIC SYNDROME, TYPE 7, WITH MEMBRANOPROLIFERATIVE GLOMERULONEPHRITIS; Nephrotic syndrome, type 7. Identifiers: Orphanet 329903, MedGen C3554330, MONDO:0014005, OMIM 615008.
Mesangiocapillary glomerulonephritis. Also called: Membranoproliferative glomerulonephritis. Identifiers: MedGen C0017662, MONDO:0002461, HP:0000793.

Allele frequency attached by ClinVar (database versions not stated): 1000 Genomes Project 30x 0.10119; 1000 Genomes Project 0.10204; TOPMed 0.11281; gnomAD 0.11986 and 0.12007; gnomAD exomes 0.12478; ESP Exome Variant Server 0.12758; ExAC 0.12873.
gnomAD v4.1: 223,765 of 1,612,712 alleles (14%); highest among the groups gnomAD compares: South Asian, 16%; 16,223 homozygotes.

Submissions (6):

Labcorp Genetics (formerly Invitae), Labcorp
Classification: Benign. Last evaluated: 2026-02-04. Review status: criteria provided, single submitter. Criteria: Invitae Variant Classification Sherloc (09022015). Collection method: clinical testing. Allele origin: germline.

Genomenon, Inc
Classification: Benign for Primary membranoproliferative glomerulonephritis. Last evaluated: 2025-09-26. Review status: criteria provided, single submitter. Criteria: Genomenon Sequence Variant Interpretation Standards - Updated. Collection method: curation. Allele origin: germline. Affected: no.
Comment: DGKE p.Gly61= (c.183G>A) is a synonymous variant that retains Glycine at residue 61. This variant has been reported in the published literature (PMID:19329342). This variant is present at high allele frequency in population databases. In conclusion, we classify DGKE p.Gly61= (c.183G>A) as a benign variant.

Blueprint Genetics
Classification: Benign. Last evaluated: 2024-11-28. Review status: criteria provided, single submitter. Criteria: ACMG Guidelines, 2015. Collection method: clinical testing. Allele origin: germline.

Mayo Clinic Laboratories, Mayo Clinic
Classification: Benign. Last evaluated: 2022-03-10. Review status: criteria provided, single submitter. Criteria: ACMG Guidelines, 2015. Collection method: clinical testing. Allele origin: germline. Observed: 629 variant alleles.

GeneDx
Classification: Benign. Last evaluated: 2018-11-10. Review status: criteria provided, single submitter. Criteria: GeneDx Variant Classification Process June 2021. Collection method: clinical testing. Allele origin: germline. Affected: yes.

Breakthrough Genomics
Classification: Benign. Review status: criteria provided, single submitter. Criteria: ACMG Guidelines, 2015. Collection method: not provided. Allele origin: germline. Inheritance: Autosomal recessive inheritance. Affected: yes.

Literature cited by the submitters: PubMed 19329342 (cited by Genomenon, Inc).